The following is an entry in ClinVar:

NM_000340.2(SLC2A2):c.144del (p.Pro49fs)

Gene: SLC2A2 (solute carrier family 2 member 2; minus strand). Cytogenetic location: 3q26.2.
Variant type: Deletion.
Coding change: c.144del on transcript NM_000340.2 (MANE Select); coding-DNA position 144, one base deleted (T; older notation c.144delT).
Protein change: p.Pro49fs; shifts the reading frame from proline 49.
Molecular consequence: frameshift variant. On other transcripts: 5 prime UTR variant (1), intron variant (1).
Genome position (GRCh38, 1-based): chr3:171,014,696, A deleted on the plus strand (T on the coding strand, the reverse complement: SLC2A2 is on the minus strand); the first of 2 consecutive A bases (chr3:171,014,696-171,014,697); deleting either gives the same sequence. VCF-style (leftmost placement, unchanged base first): chr3-171014695-GA-G. GRCh37 (hg19) VCF-style: chr3-170732484-GA-G.
Other names: c.-251del (NM_001278659.2); c.14+3835del (NM_001278658.2); short protein forms P49fs.
Identifiers: ClinVar variation 1339448 (VCV001339448.3), dbSNP rs2108256953, ClinGen allele CA2573052115.

ClinVar aggregate classification (germline): Pathogenic (1 of 4 stars; one submission).

Conditions:
Fanconi-Bickel syndrome (FBS). Also called: FANCONI SYNDROME WITH INTESTINAL MALABSORPTION AND GALACTOSE INTOLERANCE; HEPATIC GLYCOGENOSIS WITH AMINO ACIDURIA AND GLUCOSURIA; HEPATIC GLYCOGENOSIS WITH FANCONI NEPHROPATHY; HEPATORENAL GLYCOGENOSIS WITH RENAL FANCONI SYNDROME; Glycogen storage disease due to GLUT2 deficiency; PSEUDO-PHLORIZIN DIABETES. Identifiers: Orphanet 2088, MedGen C3495427, MONDO:0009216, OMIM 227810.

Submission:

Laboratory of Cyto-molecular Genetics, Department of Anatomy, All India Institute of Medical Sciences (AIIMS), New Delhi
Classification: Pathogenic for Fanconi-Bickel syndrome. Last evaluated: 2022-02-07. Review status: criteria provided, single submitter. Criteria: ACMG Guidelines, 2015. Collection method: clinical testing. Allele origin: germline. Affected: yes. Observed: 2 variant alleles.
Comment: p.(Pro49Hisfs*26); frameshift and premature termination codon (PTC) formation

Literature cited by the submitters: PubMed 35738466.